The following is an entry in ClinVar:

ClinVar aggregate classification (germline): Uncertain significance (1 of 4 stars; one submission).

Conditions:
Mucolipidosis type II. Also called: Mucolipidosis 2; ML 2; Inclusion cell disease; Leroy Disease; N-acetylglucosamine 1phosphotransferase deficiency; ML disorder type 2. Identifiers: Orphanet 576, MedGen C2673377, MONDO:0009650, OMIM 252500.
Pseudo-Hurler polydystrophy. Also called: ML IIIA; Mucolipidosis III Alpha/Beta; MUCOLIPIDOSIS IIIA; ML III; ML III ALPHA/BETA; Type III Mucolipidosis. Identifiers: Orphanet 423461, Orphanet 577, MedGen C0033788, MONDO:0018931, OMIM 252600.

Allele frequency attached by ClinVar (database versions not stated): TOPMed below 0.00001; gnomAD exomes 0.00001; ExAC 0.00002.
gnomAD v4.1: 4 of 1,614,042 alleles (0.00025%); highest among the groups gnomAD compares: Admixed American, 0.0033%; no homozygotes.

Submission:

Labcorp Genetics (formerly Invitae), Labcorp
Classification: Uncertain significance for Pseudo-Hurler polydystrophy; Mucolipidosis type II. Last evaluated: 2022-01-07. Review status: criteria provided, single submitter. Criteria: Invitae Variant Classification Sherloc (09022015). Collection method: clinical testing. Allele origin: germline.
Comment: This sequence change replaces tyrosine, which is neutral and polar, with histidine, which is basic and polar, at codon 649 of the GNPTAB protein (p.Tyr649His). This variant is present in population databases (rs768210042, gnomAD 0.009%). This variant has not been reported in the literature in individuals affected with GNPTAB-related conditions. Advanced modeling of protein sequence and biophysical properties (such as structural, functional, and spatial information, amino acid conservation, physicochemical variation, residue mobility, and thermodynamic stability) performed at Invitae indicates that this missense variant is not expected to disrupt GNPTAB protein function. In summary, the available evidence is currently insufficient to determine the role of this variant in disease. Therefore, it has been classified as a Variant of Uncertain Significance.

NM_024312.5(GNPTAB):c.1945T>C (p.Tyr649His)

Gene: GNPTAB (N-acetylglucosamine-1-phosphate transferase subunits alpha and beta; minus strand). Cytogenetic location: 12q23.2.
Variant type: single nucleotide variant.
Coding change: c.1945T>C on transcript NM_024312.5 (MANE Select); coding-DNA position 1945, T replaced by C.
Protein change: p.Tyr649His; replaces tyrosine 649 with histidine.
Molecular consequence: missense variant.
Genome position (GRCh38, 1-based): chr12:101,764,972, A>G on the plus strand (T>C on the coding strand, the complement: GNPTAB is on the minus strand). VCF-style: chr12-101764972-A-G. GRCh37 (hg19) VCF-style: chr12-102158750-A-G.
Other names: short protein forms Y649H.
Identifiers: ClinVar variation 2167053 (VCV002167053.1), dbSNP rs768210042, ClinGen allele CA6746503.